The following is an entry in ClinVar:

ClinVar aggregate classification (germline): Likely benign (1 of 4 stars; one submission).

Allele frequency attached by ClinVar (database versions not stated): gnomAD exomes 0.00001 and 0.00010; gnomAD 0.00003 and 0.00005; TOPMed 0.00007; ExAC 0.00008; 1000 Genomes Project 30x 0.00016; 1000 Genomes Project 0.00020.
gnomAD v4.1: 25 of 1,614,172 alleles (0.0015%); highest among the groups gnomAD compares: East Asian, 0.051%; no homozygotes.

Submission:

GeneDx
Classification: Likely benign. Last evaluated: 2017-09-08. Review status: criteria provided, single submitter. Criteria: GeneDx Variant Classification (06012015). Collection method: clinical testing. Allele origin: germline. Affected: yes.
Comment: This variant is considered likely benign or benign based on one or more of the following criteria: it is a conservative change, it occurs at a poorly conserved position in the protein, it is predicted to be benign by multiple in silico algorithms, and/or has population frequency not consistent with disease.

NM_153026.3(PRICKLE1):c.-14A>G

Gene: PRICKLE1 (prickle planar cell polarity protein 1; minus strand). Cytogenetic location: 12q12.
Variant type: single nucleotide variant.
Coding change: c.-14A>G on transcript NM_153026.3 (MANE Select); 14 bases upstream of the start codon, A replaced by G.
Molecular consequence: 5 prime UTR variant.
Genome position (GRCh38, 1-based): chr12:42,472,530, T>C on the plus strand (A>G on the coding strand, the complement: PRICKLE1 is on the minus strand). VCF-style: chr12-42472530-T-C. GRCh37 (hg19) VCF-style: chr12-42866332-T-C.
Other names: c.-14A>G (NM_001144881.2, NM_001144882.2, NM_001144883.2).
Identifiers: ClinVar variation 511945 (VCV000511945.1), dbSNP rs200066556, ClinGen allele CA6520014.